The following is an entry in ClinVar:

ClinVar aggregate classification (germline): Uncertain significance (1 of 4 stars; one submission).

Conditions:
Long QT syndrome (LQTS). Identifiers: MedGen C0023976, MeSH D008133, MONDO:0002442. Disease mechanism: loss of function. Inheritance: Various modes of inheritance.

Submission:

Labcorp Genetics (formerly Invitae), Labcorp
Classification: Uncertain significance for Long QT syndrome. Last evaluated: 2022-12-26. Review status: criteria provided, single submitter. Criteria: Invitae Variant Classification Sherloc (09022015). Collection method: clinical testing. Allele origin: germline.
Comment: In summary, the available evidence is currently insufficient to determine the role of this variant in disease. Therefore, it has been classified as a Variant of Uncertain Significance. Variants that disrupt the consensus splice site are a relatively common cause of aberrant splicing (PMID: 17576681, 9536098). Algorithms developed to predict the effect of sequence changes on RNA splicing suggest that this variant may disrupt the consensus splice site. This variant has not been reported in the literature in individuals affected with ANK2-related conditions. This variant is not present in population databases (gnomAD no frequency). This sequence change falls in intron 33 of the ANK2 gene. It does not directly change the encoded amino acid sequence of the ANK2 protein. It affects a nucleotide within the consensus splice site.

Literature cited by the submitters: PubMed 17576681; PubMed 9536098.

NM_001148.6(ANK2):c.4122+3A>G

Gene: ANK2 (ankyrin 2; plus strand). Cytogenetic location: 4q26.
Variant type: single nucleotide variant.
Coding change: c.4122+3A>G on transcript NM_001148.6 (MANE Select); 3 bases into the intron after coding-DNA position 4122, A replaced by G.
Molecular consequence: intron variant.
Genome position (GRCh38, 1-based): chr4:113,341,919, A>G. VCF-style: chr4-113341919-A-G. GRCh37 (hg19) VCF-style: chr4-114263075-A-G.
Other names: c.4056+3A>G (NM_001386161.1, NM_001354244.2, NM_001354256.2); c.3981+3A>G (NM_001354261.2, NM_001386147.1); c.3861+3A>G (NM_001386156.1, NM_001354257.2); c.3837+3A>G (NM_001354271.2, NM_001386151.1, NM_001354260.2); c.3639+3A>G (NM_001386158.1); c.4167+3A>G (NM_001354241.2, NM_001386144.1, NM_001354240.2); c.4200+3A>G (NM_001354237.2); c.4101+3A>G (NM_001354230.2); and 31 more.
Identifiers: ClinVar variation 2824229 (VCV002824229.3), dbSNP rs2503844598, ClinGen allele CA2739265916.